The following is an entry in ClinVar:

ClinVar aggregate classification (germline): Pathogenic (1 of 4 stars; one submission).

Conditions:
Tuberous sclerosis 2 (TSC2). Identifiers: Orphanet 805, MedGen C1860707, MONDO:0013199, OMIM 613254.

Submission:

Labcorp Genetics (formerly Invitae), Labcorp
Classification: Pathogenic for Tuberous sclerosis 2. Last evaluated: 2023-07-16. Review status: criteria provided, single submitter. Criteria: Invitae Variant Classification Sherloc (09022015). Collection method: clinical testing. Allele origin: germline.
Comment: This sequence change creates a premature translational stop signal (p.Glu37Argfs*11) in the TSC2 gene. It is expected to result in an absent or disrupted protein product. Loss-of-function variants in TSC2 are known to be pathogenic (PMID: 10205261, 17304050). This variant is not present in population databases (gnomAD no frequency). This variant has not been reported in the literature in individuals affected with TSC2-related conditions. For these reasons, this variant has been classified as Pathogenic.

Literature cited by the submitters: PubMed 10205261; PubMed 17304050.

NM_000548.5(TSC2):c.104_108dup (p.Glu37fs)

Gene: TSC2 (TSC complex subunit 2; plus strand). Cytogenetic location: 16p13.3.
Variant type: Duplication.
Coding change: c.104_108dup on transcript NM_000548.5 (MANE Select); coding-DNA positions 104 to 108, 5 bases duplicated (AGACG; older notation c.104_108dupAGACG).
Protein change: p.Glu37fs; shifts the reading frame from glutamic acid 37.
Molecular consequence: frameshift variant. On other transcripts: 5 prime UTR variant (19), non-coding transcript variant (5), intron variant (6).
Genome position (GRCh38, 1-based): chr16:2,048,719-2,048,723, AGACG duplicated. VCF-style (leftmost placement, unchanged base first): chr16-2048718-C-CAGACG. GRCh37 (hg19) VCF-style: chr16-2098719-C-CAGACG.
Other names: c.104_108dup, p.Glu37fs (NM_001406678.1, NM_021055.3, NM_001077183.3 and 13 more transcripts); c.-713_-709dup (NM_001406680.1, NM_001406683.1, NM_001406687.1); c.-342_-338dup (NM_001406681.1); c.-123_-119dup (NM_001406682.1, NM_001406684.1, NM_001406685.1 and 2 more transcripts); c.-1328_-1324dup (NM_001406689.1, NM_001406690.1, NM_001406691.1 and 2 more transcripts); c.-1634_-1630dup (NM_001406693.1); c.-1209_-1205dup (NM_001406694.1, NM_001406695.1); c.-1316_-1312dup (NM_001406696.1); and 4 more; short protein forms E48fs, E37fs.
Identifiers: ClinVar variation 2743831 (VCV002743831.3), dbSNP rs2548351050, ClinGen allele CA2697549551.